The following is an entry in ClinVar:

NM_000051.4(ATM):c.4054C>G (p.His1352Asp)

Gene: ATM (ATM serine/threonine kinase; plus strand). Cytogenetic location: 11q22.3.
Variant type: single nucleotide variant.
Coding change: c.4054C>G on transcript NM_000051.4 (MANE Select); coding-DNA position 4054, C replaced by G.
Protein change: p.His1352Asp; replaces histidine 1352 with aspartic acid.
Molecular consequence: missense variant.
Genome position (GRCh38, 1-based): chr11:108,287,660, C>G. VCF-style: chr11-108287660-C-G. GRCh37 (hg19) VCF-style: chr11-108158387-C-G.
Other names: c.4054C>G, p.His1352Asp (NM_001351834.2); short protein forms H1352D.
Identifiers: ClinVar variation 4865462 (VCV004865462.1).

ClinVar aggregate classification (germline): Uncertain significance (1 of 4 stars; one submission).

Conditions:
Hereditary cancer-predisposing syndrome. Also called: Neoplastic Syndromes, Hereditary; Tumor predisposition; Hereditary Cancer Syndrome; Hereditary neoplastic syndrome. Identifiers: Orphanet 140162, MedGen C0027672, MeSH D009386, MONDO:0015356.

Submission:

Ambry Genetics
Classification: Uncertain significance for Hereditary cancer-predisposing syndrome. Last evaluated: 2026-05-06. Review status: criteria provided, single submitter. Criteria: Ambry Variant Classification Scheme 2023. Collection method: clinical testing. Allele origin: germline.
Comment: The p.H1352D variant (also known as c.4054C>G), located in coding exon 26 of the ATM gene, results from a C to G substitution at nucleotide position 4054. The histidine at codon 1352 is replaced by aspartic acid, an amino acid with similar properties. In an assay testing ATM function, this variant showed a functionally normal result (Lee KS et al. Cell, 2025 Sep;188:5081-5099.e27). This amino acid position is well conserved in available vertebrate species. In addition, the in silico prediction for this alteration is inconclusive. Based on the available evidence, the clinical significance of this variant remains unclear.

Literature cited by the submitters: PubMed 40580951.